The following is an entry in ClinVar:

NM_170606.3(KMT2C):c.2209A>C (p.Met737Leu)

Gene: KMT2C (lysine methyltransferase 2C; minus strand). Cytogenetic location: 7q36.1.
Variant type: single nucleotide variant.
Coding change: c.2209A>C on transcript NM_170606.3 (MANE Select); coding-DNA position 2209, A replaced by C.
Protein change: p.Met737Leu; replaces methionine 737 with leucine.
Molecular consequence: missense variant.
Genome position (GRCh38, 1-based): chr7:152,248,225, T>G on the plus strand (A>C on the coding strand, the complement: KMT2C is on the minus strand). VCF-style: chr7-152248225-T-G. GRCh37 (hg19) VCF-style: chr7-151945310-T-G.
Other names: short protein forms M737L.
Identifiers: ClinVar variation 2230983 (VCV002230983.2), dbSNP rs553541527, ClinGen allele CA4581289.
Genomic context (GRCh38, chr7:152,248,225, plus strand): 5'-CTCCTTGGTATGAAACATCTTTCACACAACCCTCAATTGTAGGAGTCATTTCAGAGTCCA[T>G]CAATCCAGTAGAAAGTTCAGAATTTTCTTTCTGTTCCTTTTCTCCTTGTAGCCTTTCTAT-3'
Protein context (NP_733751.2, residues 727-747): KENSELSTGL[Met737Leu]DSEMTPTIEG

ClinVar aggregate classification (germline): Uncertain significance (1 of 4 stars; one submission).

Conditions:
Inborn genetic diseases. Identifiers: MedGen C0950123, MeSH D030342.

Allele frequency attached by ClinVar (database versions not stated): gnomAD exomes below 0.00001; ExAC 0.00002.
gnomAD v4.1: 3 of 1,614,016 alleles (0.00019%); highest among the groups gnomAD compares: Admixed American, 0.005%; no homozygotes.

Submission:

Ambry Genetics
Classification: Uncertain significance for Inborn genetic diseases. Last evaluated: 2021-06-10. Review status: criteria provided, single submitter. Criteria: Ambry Variant Classification Scheme 2023. Collection method: clinical testing. Allele origin: germline.
Comment: The c.2209A>C (p.M737L) alteration is located in exon 14 (coding exon 14) of the KMT2C gene. This alteration results from an A to C substitution at nucleotide position 2209, causing the methionine (M) at amino acid position 737 to be replaced by a leucine (L). Based on data from the Genome Aggregation Database (gnomAD) database, the KMT2C c.2209A>C alteration was observed in 0.001% (3/250,818) of total alleles studied, with a frequency of 0.009% (3/34,558) in the Latino subpopulation. This amino acid position is not well conserved in available vertebrate species. The p.M737L alteration is predicted to be tolerated by in silico analysis. Based on insufficient or conflicting evidence, the clinical significance of this alteration remains unclear.